The following is an entry in ClinVar:

ClinVar aggregate classification (germline): Pathogenic (1 of 4 stars; one submission).

Submission:

GeneDx
Classification: Pathogenic. Last evaluated: 2025-08-12. Review status: criteria provided, single submitter. Criteria: GeneDx Variant Classification Process June 2021. Collection method: clinical testing. Allele origin: germline.
Comment: Nonsense variant predicted to result in protein truncation or nonsense mediated decay in a gene for which loss of function is a known mechanism of disease; Not observed at significant frequency in large population cohorts (gnomAD); Has not been previously published as pathogenic or benign to our knowledge

NM_014991.6(WDFY3):c.10153C>T (p.Arg3385Ter)

Gene: WDFY3 (WD repeat and FYVE domain containing 3; minus strand). Cytogenetic location: 4q21.23.
Variant type: single nucleotide variant.
Coding change: c.10153C>T on transcript NM_014991.6 (MANE Select); coding-DNA position 10153, C replaced by T.
Protein change: p.Arg3385Ter; replaces arginine 3385 with a stop codon.
Molecular consequence: nonsense.
Genome position (GRCh38, 1-based): chr4:84,678,274, G>A on the plus strand (C>T on the coding strand, the complement: WDFY3 is on the minus strand). VCF-style: chr4-84678274-G-A. GRCh37 (hg19) VCF-style: chr4-85599427-G-A.
Other names: short protein forms R3385*.
Identifiers: ClinVar variation 3343050 (VCV003343050.2).